The following is an entry in ClinVar:

NM_033396.3(CNOT12):c.1338G>A (p.Ser446=)

Gene: CNOT12 (CCR4-NOT transcription complex subunit 12; minus strand). Cytogenetic location: 11q12.1.
Variant type: single nucleotide variant.
Coding change: c.1338G>A on transcript NM_033396.3 (MANE Select); coding-DNA position 1338, G replaced by A.
Protein change: p.Ser446=; no amino-acid change (serine 446 retained).
Molecular consequence: synonymous variant.
Genome position (GRCh38, 1-based): chr11:57,313,350, C>T on the plus strand (G>A on the coding strand, the complement: CNOT12 is on the minus strand). VCF-style: chr11-57313350-C-T. GRCh37 (hg19) VCF-style: chr11-57080824-C-T.
Identifiers: ClinVar variation 3234412 (VCV003234412.20), dbSNP rs748693299, ClinGen allele CA6003911.

ClinVar aggregate classification (germline): Likely benign (1 of 4 stars; one submission).

Allele frequency attached by ClinVar (database versions not stated): gnomAD 0.00002; ExAC 0.00003.
gnomAD v4.1: 68 of 1,612,410 alleles (0.0042%); highest among the groups gnomAD compares: East Asian, 0.0067%; no homozygotes.

Submission:

CeGaT Center for Human Genetics Tuebingen
Classification: Likely benign. Last evaluated: 2024-03-01. Review status: criteria provided, single submitter. Criteria: CeGaT Center For Human Genetics Tuebingen Variant Classification Criteria Version 2. Collection method: clinical testing. Allele origin: germline. Affected: yes. Observed: 1 variant allele.
Comment: CNOT12: BP4, BP7